The following is an entry in ClinVar:

NM_000038.6(APC):c.6915A>C (p.Arg2305Ser)

Gene: APC (APC regulator of Wnt signaling pathway; plus strand). Cytogenetic location: 5q22.2.
Variant type: single nucleotide variant.
Coding change: c.6915A>C on transcript NM_000038.6 (MANE Select); coding-DNA position 6915, A replaced by C.
Protein change: p.Arg2305Ser; replaces arginine 2305 with serine.
Molecular consequence: missense variant. On other transcripts: non-coding transcript variant (2).
Genome position (GRCh38, 1-based): chr5:112,842,509, A>C. VCF-style: chr5-112842509-A-C. GRCh37 (hg19) VCF-style: chr5-112178206-A-C.
Other names: c.6915A>C, p.Arg2305Ser (NM_001127510.3, NM_001354895.2, NM_001407450.1); c.6861A>C, p.Arg2287Ser (NM_001127511.3); c.6969A>C, p.Arg2323Ser (NM_001354896.2, NM_001407447.1, NM_001407448.1 and 1 more transcripts); c.6945A>C, p.Arg2315Ser (NM_001354897.2); c.6840A>C, p.Arg2280Ser (NM_001354898.2); c.6831A>C, p.Arg2277Ser (NM_001354899.2); c.6792A>C, p.Arg2264Ser (NM_001354900.2); c.6738A>C, p.Arg2246Ser (NM_001354901.2, NM_001407453.1); and 11 more; short protein forms R1921S, R2264S, R2280S, R2305S, R2315S, R2333S, R2214S, R2246S.
Identifiers: ClinVar variation 2773587 (VCV002773587.2), dbSNP rs2149976172, ClinGen allele CA16036415.

ClinVar aggregate classification (germline): Uncertain significance (1 of 4 stars; one submission).

Conditions:
Hereditary cancer-predisposing syndrome. Also called: Hereditary neoplastic syndrome; Hereditary Cancer Syndrome; Neoplastic Syndromes, Hereditary; Tumor predisposition. Identifiers: Orphanet 140162, MedGen C0027672, MeSH D009386, MONDO:0015356.

Submission:

Color Diagnostics, LLC DBA Color Health
Classification: Uncertain significance for Hereditary cancer-predisposing syndrome. Last evaluated: 2023-08-30. Review status: criteria provided, single submitter. Criteria: ACMG Guidelines, 2015. Collection method: clinical testing. Allele origin: germline.
Comment: This missense variant replaces arginine with serine at codon 2305 of the APC protein. Computational prediction is inconclusive regarding the impact of this variant on protein structure and function (internally defined REVEL score threshold 0.5 < inconclusive < 0.7, PMID: 27666373). To our knowledge, functional studies have not been reported for this variant. This variant has not been reported in individuals affected with APC-related disorders in the literature. This variant has not been identified in the general population by the Genome Aggregation Database (gnomAD). The available evidence is insufficient to determine the role of this variant in disease conclusively. Therefore, this variant is classified as a Variant of Uncertain Significance.